The following is an entry in ClinVar:

NM_003823.4(TNFRSF6B):c.*5_*31del (p.Ter301=)

Genes: RTEL1-TNFRSF6B (RTEL1-TNFRSF6B readthrough (NMD candidate); plus strand), TNFRSF6B (TNF receptor superfamily member 6b; plus strand). Cytogenetic location: 20q13.33.
Variant type: Deletion.
Coding change: c.*5_*31del on transcript NM_003823.4 (MANE Select); 5 bases downstream of the stop codon through 31 bases downstream of the stop codon, 27 bases deleted (GGCCCCCTCTTATTTATTCTACATCCT).
Protein change: p.Ter301=.
Molecular consequence: no sequence alteration. On other transcripts: non-coding transcript variant (1).
Genome position (GRCh38, 1-based): chr20:63,698,568-63,698,594, GGCCCCCTCTTATTTATTCTACATCCT deleted; deleting any 27 consecutive bases within chr20:63,698,563-63,698,594 gives the same sequence; the c. name uses the placement nearest the transcript's 3' end. VCF-style (leftmost placement, unchanged base first): chr20-63698562-GATCCTGGCCCCCTCTTATTTATTCTAC-G. GRCh37 (hg19) VCF-style: chr20-62329915-GATCCTGGCCCCCTCTTATTTATTCTAC-G.
Identifiers: ClinVar variation 3615632 (VCV003615632.2).

ClinVar aggregate classification (germline): Uncertain significance (1 of 4 stars; one submission).

Submission:

Labcorp Genetics (formerly Invitae), Labcorp
Classification: Uncertain significance. Last evaluated: 2025-01-08. Review status: criteria provided, single submitter. Criteria: Invitae Variant Classification Sherloc (09022015). Collection method: clinical testing. Allele origin: germline.
Comment: This variant occurs in a non-coding region of the TNFRSF6B gene. It does not change the encoded amino acid sequence of the TNFRSF6B protein. This variant is not present in population databases (gnomAD no frequency). This variant has not been reported in the literature in individuals affected with TNFRSF6B-related conditions. In summary, the available evidence is currently insufficient to determine the role of this variant in disease. Therefore, it has been classified as a Variant of Uncertain Significance.